The following is an entry in ClinVar:

NM_012424.6(RPS6KC1):c.164G>A (p.Ser55Asn)

Gene: RPS6KC1 (ribosomal protein S6 kinase C1; plus strand). Cytogenetic location: 1q32.3.
Variant type: single nucleotide variant.
Coding change: c.164G>A on transcript NM_012424.6 (MANE Select); coding-DNA position 164, G replaced by A.
Protein change: p.Ser55Asn; replaces serine 55 with asparagine.
Molecular consequence: missense variant. On other transcripts: 5 prime UTR variant (23), non-coding transcript variant (4), intron variant (4).
Genome position (GRCh38, 1-based): chr1:213,077,718, G>A. VCF-style: chr1-213077718-G-A. GRCh37 (hg19) VCF-style: chr1-213251060-G-A.
Other names: c.128G>A, p.Ser43Asn (NM_001136138.4); c.-458G>A (NM_001287218.3, NM_001349650.2, NM_001349653.2 and 1 more transcripts); c.-380G>A (NM_001287219.3, NM_001349649.2); c.-1051G>A (NM_001287220.3, NM_001349666.2); c.164G>A, p.Ser55Asn (NM_001349646.2, NM_001349647.2); c.-449G>A (NM_001349648.2); c.-579G>A (NM_001349651.2); c.-529G>A (NM_001349652.2); and 13 more; short protein forms S43N, S55N.
Identifiers: ClinVar variation 2111534 (VCV002111534.4), dbSNP rs774349575, ClinGen allele CA1387078.

ClinVar aggregate classification (germline): Uncertain significance (1 of 4 stars; one submission).

Allele frequency attached by ClinVar (database versions not stated): ExAC 0.00001; gnomAD 0.00001; gnomAD exomes 0.00001.
gnomAD v4.1: 16 of 1,485,736 alleles (0.0011%); highest among the groups gnomAD compares: South Asian, 0.021%; 1 homozygote.

Submission:

Labcorp Genetics (formerly Invitae), Labcorp
Classification: Uncertain significance. Last evaluated: 2022-03-14. Review status: criteria provided, single submitter. Criteria: Invitae Variant Classification Sherloc (09022015). Collection method: clinical testing. Allele origin: germline.
Comment: This variant has not been reported in the literature in individuals affected with RPS6KC1-related conditions. In summary, the available evidence is currently insufficient to determine the role of this variant in disease. Therefore, it has been classified as a Variant of Uncertain Significance. Algorithms developed to predict the effect of missense changes on protein structure and function are either unavailable or do not agree on the potential impact of this missense change (SIFT: "Tolerated"; PolyPhen-2: "Possibly Damaging"; Align-GVGD: "Class C0"). This variant is present in population databases (rs774349575, gnomAD 0.01%). This sequence change replaces serine, which is neutral and polar, with asparagine, which is neutral and polar, at codon 55 of the RPS6KC1 protein (p.Ser55Asn).